The following is an entry in ClinVar:

ClinVar aggregate classification (germline): Uncertain significance (1 of 4 stars; one submission).

Conditions:
Polycystic kidney disease, adult type (PKD1). Also called: Polycystic Kidney, Autosomal Dominant; POLYCYSTIC KIDNEY DISEASE, ADULT, TYPE I; Polycystic Kidney Disease 1, Autosomal Dominant; Polycystic kidney disease 1; Polycystic kidney disease 1, severe; POLYCYSTIC KIDNEY DISEASE 1 WITH OR WITHOUT POLYCYSTIC LIVER DISEASE. Identifiers: MedGen C3149841, MONDO:0008263, OMIM 173900.

Allele frequency attached by ClinVar (database versions not stated): ExAC below 0.00001; TOPMed 0.00002.
gnomAD v4.1: 5 of 1,482,054 alleles (0.00034%); highest among the groups gnomAD compares: South Asian, 0.0025%; no homozygotes.

Submission:

Centre for Mendelian Genomics, University Medical Centre Ljubljana
Classification: Uncertain significance for Polycystic kidney disease, adult type. Last evaluated: 2019-06-05. Review status: criteria provided, single submitter. Criteria: ACMG Guidelines, 2015. Collection method: clinical testing. Allele origin: unknown. Affected: yes.
Comment: This variant was classified as: Uncertain significance. The available evidence favors the pathogenic nature of this variant, however the currently available data is insufficient to conclusively support its pathogenic nature. Thus this variant is classified as Uncertain significance - favor pathogenic. The following ACMG criteria were applied in classifying this variant: BP4.

NM_001009944.3(PKD1):c.11744C>T (p.Ala3915Val)

Gene: PKD1 (polycystin 1, transient receptor potential channel interacting; minus strand). Cytogenetic location: 16p13.3.
Variant type: single nucleotide variant.
Coding change: c.11744C>T on transcript NM_001009944.3 (MANE Select); coding-DNA position 11744, C replaced by T.
Protein change: p.Ala3915Val; replaces alanine 3915 with valine.
Molecular consequence: missense variant.
Genome position (GRCh38, 1-based): chr16:2,091,143, G>A on the plus strand (C>T on the coding strand, the complement: PKD1 is on the minus strand). VCF-style: chr16-2091143-G-A. GRCh37 (hg19) VCF-style: chr16-2141144-G-A.
Other names: c.11741C>T, p.Ala3914Val (NM_000296.4); short protein forms A3915V, A3914V.
Identifiers: ClinVar variation 931598 (VCV000931598.3), dbSNP rs778893944, ClinGen allele CA7828971.